The following is an entry in ClinVar:

NM_000179.3(MSH6):c.3305_3306insA (p.Gly1105fs)

Gene: MSH6 (mutS homolog 6; plus strand). Cytogenetic location: 2p16.3.
Variant type: Insertion.
Coding change: c.3305_3306insA on transcript NM_000179.3 (MANE Select); coding-DNA positions 3305 to 3306, A inserted.
Protein change: p.Gly1105fs; shifts the reading frame from glycine 1105.
Molecular consequence: frameshift variant. On other transcripts: non-coding transcript variant (5), intron variant (1).
Genome position: GRCh38 VCF-style: chr2-47803552-C-CA. GRCh37 (hg19) VCF-style: chr2-48030691-C-CA.
Other names: c.2915_2916insA, p.Gly975fs (NM_001281492.2); c.2399_2400insA, p.Gly803fs (NM_001281493.2, NM_001281494.2, NM_001406811.1 and 6 more transcripts); c.3401_3402insA, p.Gly1137fs (NM_001406795.1, NM_001406802.1); c.3305_3306insA, p.Gly1105fs (NM_001406796.1, NM_001406800.1, NM_001406808.1 and 1 more transcripts); c.3008_3009insA, p.Gly1006fs (NM_001406797.1, NM_001406801.1, NM_001406805.1 and 10 more transcripts); c.2780_2781insA, p.Gly930fs (NM_001406799.1, NM_001406806.1, NM_001406807.1); c.2441_2442insA, p.Gly817fs (NM_001406803.1); c.3227_3228insA, p.Gly1079fs (NM_001406804.1); and 7 more; short protein forms G1006fs, G1049fs, G1079fs, G1105fs, G1107fs, G1137fs, G32fs, G420fs.
Identifiers: ClinVar variation 2674006 (VCV002674006.1), dbSNP rs2530767010, ClinGen allele CA2695200536.

ClinVar aggregate classification (germline): Pathogenic (1 of 4 stars; one submission).

Conditions:
Lynch syndrome 5 (LYNCH5). Also called: Colorectal cancer, hereditary nonpolyposis, type 5; Hereditary non-polyposis colorectal cancer, type 5. Identifiers: Orphanet 144, MedGen C1833477, MONDO:0013710, OMIM 614350. Disease mechanism: loss of function.

Submission:

Myriad Genetics, Inc.
Classification: Pathogenic for Lynch syndrome 5. Last evaluated: 2023-11-09. Review status: criteria provided, single submitter. Criteria: Myriad Autosomal Dominant, Autosomal Recessive and X-Linked Classification Criteria (2023). Collection method: clinical testing. Allele origin: unknown.
Comment: This variant is considered pathogenic. This variant creates a frameshift predicted to result in premature protein truncation.